The following is an entry in ClinVar:

NM_017780.4(CHD7):c.5772T>G (p.Tyr1924Ter)

Gene: CHD7 (chromodomain helicase DNA binding protein 7; plus strand). Cytogenetic location: 8q12.2.
Variant type: single nucleotide variant.
Coding change: c.5772T>G on transcript NM_017780.4 (MANE Select); coding-DNA position 5772, T replaced by G.
Protein change: p.Tyr1924Ter; replaces tyrosine 1924 with a stop codon.
Molecular consequence: nonsense. On other transcripts: intron variant (1).
Genome position (GRCh38, 1-based): chr8:60,852,125, T>G. VCF-style: chr8-60852125-T-G. GRCh37 (hg19) VCF-style: chr8-61764684-T-G.
Other names: c.1717-10104T>G (NM_001316690.1); short protein forms Y1924*.
Identifiers: ClinVar variation 4733903 (VCV004733903.1).
Genomic context (GRCh38, chr8:60,852,125, plus strand): 5'-TAACACTTCAACCCTGACTACACGTCTGCGCCGGCTCATTACTGCCTATCAGCGCAGCTA[T>G]AAAAGGCAACAGATGAGGCAAGAGGCCCTAATGAAGACTGACCGGCGCAGACGGCGGCCT-3'

ClinVar aggregate classification (germline): Pathogenic (1 of 4 stars; one submission).

Conditions:
CHARGE syndrome (CHARGE). Also called: Hittner Hirsch Kreh syndrome; CHARGE ASSOCIATION--COLOBOMA, HEART ANOMALY, CHOANAL ATRESIA, RETARDATION, GENITAL AND EAR ANOMALIES; Coloboma, heart anomaly, choanal atresia, retardation, genital and ear anomalies; CHARGE association; Hall-Hittner syndrome. Identifiers: Orphanet 138, MedGen C0265354, MONDO:0008965.

Submission:

Labcorp Genetics (formerly Invitae), Labcorp
Classification: Pathogenic for CHARGE syndrome. Last evaluated: 2025-12-22. Review status: criteria provided, single submitter. Criteria: Invitae Variant Classification Sherloc (09022015). Collection method: clinical testing. Allele origin: germline.
Comment: This sequence change creates a premature translational stop signal (p.Tyr1924*) in the CHD7 gene. It is expected to result in an absent or disrupted protein product. Loss-of-function variants in CHD7 are known to be pathogenic (PMID: 22461308, 25077900). This variant is not present in population databases (gnomAD no frequency). This variant has not been reported in the literature in individuals affected with CHD7-related conditions. For these reasons, this variant has been classified as Pathogenic.

Literature cited by the submitters: PubMed 22461308; PubMed 25077900.